The following is an entry in ClinVar:

ClinVar aggregate classification (germline): Uncertain significance (1 of 4 stars; one submission).

Conditions:
Poirier-Bienvenu neurodevelopmental syndrome (POBINDS). Identifiers: Orphanet 689397, MedGen C5231482, MONDO:0032889, OMIM 618732.

Submission:

3billion
Classification: Uncertain significance for Poirier-Bienvenu neurodevelopmental syndrome. Last evaluated: 2025-07-25. Review status: criteria provided, single submitter. Criteria: ACMG Guidelines, 2015. Collection method: clinical testing. Allele origin: germline. Affected: yes.
Comment: The variant is not observed in the gnomAD v4.1.0 dataset. Predicted Consequence/Location: Intron variant In silico tools predict the variant to alter splicing and produce an abnormal transcript [SpliceAI: 0.95 (>=0.2, moderate evidence for spliceogenicity)]. Therefore, this variant is classified as VUS according to the recommendation of ACMG/AMP guideline.

NM_001320.7(CSNK2B):c.367+5G>C

Gene: CSNK2B (casein kinase 2 beta; plus strand). Cytogenetic location: 6p21.33.
Variant type: single nucleotide variant.
Coding change: c.367+5G>C on transcript NM_001320.7 (MANE Select); 5 bases into the intron after coding-DNA position 367, G replaced by C.
Molecular consequence: intron variant.
Genome position (GRCh38, 1-based): chr6:31,669,177, G>C. VCF-style: chr6-31669177-G-C. GRCh37 (hg19) VCF-style: chr6-31636954-G-C.
Other names: c.367+5G>C (NM_001282385.2).
Identifiers: ClinVar variation 4856235 (VCV004856235.1).